The following is an entry in ClinVar:

ClinVar aggregate classification (germline): Uncertain significance (1 of 4 stars; one submission).

gnomAD v4.1: 2 of 1,612,796 alleles (0.00012%); highest among the groups gnomAD compares: South Asian, 0.0022%; no homozygotes.

Submission:

Ambry Genetics
Classification: Uncertain significance. Last evaluated: 2021-11-30. Review status: criteria provided, single submitter. Criteria: Ambry Variant Classification Scheme 2023. Collection method: clinical testing. Allele origin: germline.
Comment: The p.V1905I variant (also known as c.5713G>A), located in coding exon 17 of the POLQ gene, results from a G to A substitution at nucleotide position 5713. The valine at codon 1905 is replaced by isoleucine, an amino acid with highly similar properties. This amino acid position is conserved. In addition, this alteration is predicted to be tolerated by in silico analysis. Since supporting evidence is limited at this time, the clinical significance of this alteration remains unclear.

NM_199420.4(POLQ):c.5713G>A (p.Val1905Ile)

Gene: POLQ (DNA polymerase theta; minus strand). Cytogenetic location: 3q13.33.
Variant type: single nucleotide variant.
Coding change: c.5713G>A on transcript NM_199420.4 (MANE Select); coding-DNA position 5713, G replaced by A.
Protein change: p.Val1905Ile; replaces valine 1905 with isoleucine.
Molecular consequence: missense variant.
Genome position (GRCh38, 1-based): chr3:121,485,101, C>T on the plus strand (G>A on the coding strand, the complement: POLQ is on the minus strand). VCF-style: chr3-121485101-C-T. GRCh37 (hg19) VCF-style: chr3-121203948-C-T.
Other names: short protein forms V1905I.
Identifiers: ClinVar variation 1749253 (VCV001749253.2), dbSNP rs2048001179, ClinGen allele CA354089121.
Genomic context (GRCh38, chr3:121,485,101, plus strand): 5'-CAGAATGCTTTTGTTCCTTCTGCAGTGAAAAATAATAGGCATCCCTTCCACCCCAGCATA[C>T]TGCCAGTCCAACCACCAAGGTGTCATCACAACCTTTAATGGGAAATCCATCATCTCTAAT-3'
Protein context (NP_955452.3, residues 1895-1915): CDDTLVVGLA[Val1905Ile]CWGGRDAYYF